The following is an entry in ClinVar:

ClinVar aggregate classification (germline): Pathogenic (1 of 4 stars; one submission).

Submission:

Labcorp Genetics (formerly Invitae), Labcorp
Classification: Pathogenic. Last evaluated: 2022-05-17. Review status: criteria provided, single submitter. Criteria: Invitae Variant Classification Sherloc (09022015). Collection method: clinical testing. Allele origin: germline.
Comment: This sequence change creates a premature translational stop signal (p.Gly2413Alafs*7) in the PKD1L1 gene. It is expected to result in an absent or disrupted protein product. Loss-of-function variants in PKD1L1 are known to be pathogenic (PMID: 27616478). This variant is not present in population databases (gnomAD no frequency). This variant has not been reported in the literature in individuals affected with PKD1L1-related conditions. For these reasons, this variant has been classified as Pathogenic.

Literature cited by the submitters: PubMed 27616478.

NM_138295.5(PKD1L1):c.7238del (p.Gly2413fs)

Genes: PKD1L1 (polycystin 1 like 1, transient receptor potential channel interacting; minus strand), PKD1L1-AS1 (PKD1L1 antisense RNA 1; plus strand). Cytogenetic location: 7p12.3.
Variant type: Deletion.
Coding change: c.7238del on transcript NM_138295.5 (MANE Select); coding-DNA position 7238, one base deleted (G; older notation c.7238delG).
Protein change: p.Gly2413fs; shifts the reading frame from glycine 2413.
Molecular consequence: frameshift variant.
Genome position (GRCh38, 1-based): chr7:47,813,229, C deleted on the plus strand (G on the coding strand, the reverse complement: PKD1L1 is on the minus strand); the first of 2 consecutive C bases (chr7:47,813,229-47,813,230); deleting either gives the same sequence. VCF-style (leftmost placement, unchanged base first): chr7-47813228-GC-G. GRCh37 (hg19) VCF-style: chr7-47852826-GC-G.
Other names: short protein forms G2413fs.
Identifiers: ClinVar variation 1995733 (VCV001995733.4), dbSNP rs2483876525, ClinGen allele CA2580077210.